The following is an entry in ClinVar:

NM_000051.4(ATM):c.2559A>T (p.Ser853=)

Gene: ATM (ATM serine/threonine kinase; plus strand). Cytogenetic location: 11q22.3.
Variant type: single nucleotide variant.
Coding change: c.2559A>T on transcript NM_000051.4 (MANE Select); coding-DNA position 2559, A replaced by T.
Protein change: p.Ser853=; no amino-acid change (serine 853 retained).
Molecular consequence: synonymous variant.
Genome position (GRCh38, 1-based): chr11:108,267,263, A>T. VCF-style: chr11-108267263-A-T. GRCh37 (hg19) VCF-style: chr11-108137990-A-T.
Other names: c.2559A>T, p.Ser853= (NM_001351834.2).
Identifiers: ClinVar variation 929183 (VCV000929183.14), dbSNP rs2081307609, ClinGen allele CA476673621.

ClinVar aggregate classification (germline): Benign/Likely benign. Review status: criteria provided, multiple submitters, no conflicts (2 of 4 stars). 5 submissions from 5 submitters: Benign (1); Likely benign (4). Last evaluated 2025-11-01.

Conditions:
Hereditary cancer-predisposing syndrome. Also called: Tumor predisposition; Hereditary neoplastic syndrome; Neoplastic Syndromes, Hereditary; Hereditary Cancer Syndrome. Identifiers: Orphanet 140162, MedGen C0027672, MeSH D009386, MONDO:0015356.
Ataxia-telangiectasia syndrome (AT). Also called: Ataxia-telangiectasia, complementation group D; Cerebello-oculocutaneous telangiectasia; Immunodeficiency with ataxia telangiectasia; LOUIS-BAR SYNDROME; Ataxia-telangiectasia; AT, COMPLEMENTATION GROUP C. Identifiers: Orphanet 100, MedGen C0004135, MONDO:0008840, OMIM 208900.
Familial cancer of breast. Also called: BREAST CANCER, FAMILIAL; hereditary breast carcinoma; Hereditary breast cancer. Identifiers: Orphanet 227535, MedGen C0346153, MONDO:0016419, OMIM 114480. Disease mechanism: loss of function.

Allele frequency attached by ClinVar (database versions not stated): TOPMed below 0.00001.

Submissions (5):

Labcorp Genetics (formerly Invitae), Labcorp
Classification: Likely benign for Ataxia-telangiectasia syndrome. Last evaluated: 2025-11-01. Review status: criteria provided, single submitter. Criteria: Invitae Variant Classification Sherloc (09022015). Collection method: clinical testing. Allele origin: germline.

Myriad Genetics, Inc.
Classification: Benign for Familial cancer of breast. Last evaluated: 2024-05-09. Review status: criteria provided, single submitter. Criteria: Myriad Autosomal Dominant, Autosomal Recessive and X-Linked Classification Criteria (2023). Collection method: clinical testing. Allele origin: unknown.
Comment: This variant is considered benign. This variant is a silent/synonymous amino acid change and it is not expected to impact splicing.

ARUP Laboratories, Molecular Genetics and Genomics, ARUP Laboratories
Classification: Likely benign. Last evaluated: 2024-01-12. Review status: criteria provided, single submitter. Criteria: ARUP Molecular Germline Variant Investigation Process 2024. Collection method: clinical testing. Allele origin: germline.

Ambry Genetics
Classification: Likely benign for Hereditary cancer-predisposing syndrome. Last evaluated: 2020-08-25. Review status: criteria provided, single submitter. Criteria: Ambry Variant Classification Scheme 2023. Collection method: clinical testing. Allele origin: germline.

Women's Health and Genetics/Laboratory Corporation of America, LabCorp
Classification: Likely benign. Last evaluated: 2020-01-31. Review status: criteria provided, single submitter. Criteria: LabCorp Variant Classification Summary - May 2015. Collection method: clinical testing. Allele origin: germline.